The following is an entry in ClinVar:

NM_139076.3(ABRAXAS1):c.835T>C (p.Phe279Leu)

Gene: ABRAXAS1 (abraxas 1, BRCA1 A complex subunit; minus strand). Cytogenetic location: 4q21.23.
Variant type: single nucleotide variant.
Coding change: c.835T>C on transcript NM_139076.3 (MANE Select); coding-DNA position 835, T replaced by C.
Protein change: p.Phe279Leu; replaces phenylalanine 279 with leucine.
Molecular consequence: missense variant.
Genome position (GRCh38, 1-based): chr4:83,462,864, A>G on the plus strand (T>C on the coding strand, the complement: ABRAXAS1 is on the minus strand). VCF-style: chr4-83462864-A-G. GRCh37 (hg19) VCF-style: chr4-84384017-A-G.
Other names: c.508T>C, p.Phe170Leu (NM_001345962.2); short protein forms F170L, F279L.
Identifiers: ClinVar variation 1005832 (VCV001005832.12), dbSNP rs748047951, ClinGen allele CA2990424.

ClinVar aggregate classification (germline): Uncertain significance. Review status: criteria provided, multiple submitters, no conflicts (2 of 4 stars). 2 submissions from 2 submitters: Uncertain significance (2). Last evaluated 2024-08-21.

Allele frequency attached by ClinVar (database versions not stated): ExAC 0.00001; gnomAD exomes 0.00001; TOPMed 0.00001.
gnomAD v4.1: 15 of 1,601,732 alleles (0.00094%); highest among the groups gnomAD compares: Non-Finnish European, 0.0013%; no homozygotes.

Submissions (2):

Ambry Genetics
Classification: Uncertain significance. Last evaluated: 2024-08-21. Review status: criteria provided, single submitter. Criteria: Ambry Variant Classification Scheme 2023. Collection method: clinical testing. Allele origin: germline.
Comment: The p.F279L variant (also known as c.835T>C), located in coding exon 9 of the FAM175A gene, results from a T to C substitution at nucleotide position 835. The phenylalanine at codon 279 is replaced by leucine, an amino acid with highly similar properties. This amino acid position is conserved. In addition, this alteration is predicted to be tolerated by in silico analysis. Since supporting evidence is limited at this time, the clinical significance of this alteration remains unclear.

Labcorp Genetics (formerly Invitae), Labcorp
Classification: Uncertain significance. Last evaluated: 2018-06-06. Review status: criteria provided, single submitter. Criteria: Invitae Variant Classification Sherloc (09022015). Collection method: clinical testing. Allele origin: germline.
Comment: In summary, the available evidence is currently insufficient to determine the role of this variant in disease. Therefore, it has been classified as a Variant of Uncertain Significance. Algorithms developed to predict the effect of missense changes on protein structure and function output the following: SIFT: "Tolerated"; PolyPhen-2: "Benign"; Align-GVGD: "Class C0". The leucine amino acid residue is found in multiple mammalian species, suggesting that this missense change does not adversely affect protein function. These predictions have not been confirmed by published functional studies and their clinical significance is uncertain. This variant has not been reported in the literature in individuals with FAM175A-related disease. This variant is present in population databases (rs748047951, ExAC 0.002%). This sequence change replaces phenylalanine with leucine at codon 279 of the FAM175A protein (p.Phe279Leu). The phenylalanine residue is moderately conserved and there is a small physicochemical difference between phenylalanine and leucine.